The following is an entry in ClinVar:

NM_020999.4(NEUROG3):c.212del (p.Pro71fs)

Gene: NEUROG3 (neurogenin 3; minus strand). Cytogenetic location: 10q22.1.
Variant type: Deletion.
Coding change: c.212del on transcript NM_020999.4 (MANE Select); coding-DNA position 212, one base deleted (C; older notation c.212delC).
Protein change: p.Pro71fs; shifts the reading frame from proline 71.
Molecular consequence: frameshift variant.
Genome position (GRCh38, 1-based): chr10:69,572,832, G deleted on the plus strand (C on the coding strand, the reverse complement: NEUROG3 is on the minus strand); the first of 2 consecutive G bases (chr10:69,572,832-69,572,833); deleting either gives the same sequence. VCF-style (leftmost placement, unchanged base first): chr10-69572831-AG-A. GRCh37 (hg19) VCF-style: chr10-71332587-AG-A.
Other names: short protein forms P71fs.
Identifiers: ClinVar variation 1381799 (VCV001381799.5), dbSNP rs1839233961, ClinGen allele CA1917854778.
Genomic context (GRCh38, chr10:69,572,831, plus strand): 5'-GCGGTCGTTGGCCTTCTTTCGCCGACTCCGTCGCTGCTTGCTCAGTGCCAACTCGCTCTT[AG>A]GCCGGCTGCGTCCCCCGCGCCGTGCCCGGAGCTTCCTCGGGGCCCCTCGGCAGCCTCCCT-3'

ClinVar aggregate classification (germline): Pathogenic (1 of 4 stars; one submission).

Submission:

Labcorp Genetics (formerly Invitae), Labcorp
Classification: Pathogenic. Last evaluated: 2024-04-22. Review status: criteria provided, single submitter. Criteria: Invitae Variant Classification Sherloc (09022015). Collection method: clinical testing. Allele origin: germline.
Comment: This sequence change creates a premature translational stop signal (p.Pro71Leufs*7) in the NEUROG3 gene. While this is not anticipated to result in nonsense mediated decay, it is expected to disrupt the last 144 amino acid(s) of the NEUROG3 protein. This variant is not present in population databases (gnomAD no frequency). This variant has not been reported in the literature in individuals affected with NEUROG3-related conditions. ClinVar contains an entry for this variant (Variation ID: 1381799). Experimental studies and prediction algorithms are not available or were not evaluated, and the functional significance of this variant is currently unknown. This variant disrupts a region of the NEUROG3 protein in which other variant(s) (p.Arg107Ser) have been determined to be pathogenic (PMID: 16855267, 25901096, 27533310, 31178402, 31805014). This suggests that this is a clinically significant region of the protein, and that variants that disrupt it are likely to be disease-causing. For these reasons, this variant has been classified as Pathogenic.

Literature cited by the submitters: PubMed 16855267; PubMed 25901096; PubMed 27533310; PubMed 31178402; PubMed 31805014.